The following is an entry in ClinVar:

NM_001844.5(COL2A1):c.2733+220T>C

Gene: COL2A1 (collagen type II alpha 1 chain; minus strand). Cytogenetic location: 12q13.11.
Variant type: single nucleotide variant.
Coding change: c.2733+220T>C on transcript NM_001844.5 (MANE Select); 220 bases into the intron after coding-DNA position 2733, T replaced by C.
Molecular consequence: intron variant.
Genome position (GRCh38, 1-based): chr12:47,979,291, A>G on the plus strand (T>C on the coding strand, the complement: COL2A1 is on the minus strand). VCF-style: chr12-47979291-A-G. GRCh37 (hg19) VCF-style: chr12-48373074-A-G.
Other names: c.2526+220T>C (NM_033150.3).
Identifiers: ClinVar variation 679446 (VCV000679446.1), dbSNP rs113267873, ClinGen allele CA236522342.
Genomic context (GRCh38, chr12:47,979,291, plus strand): 5'-CATGCTCAAGAAACATCTGTCCAGGATGAAGGTAATCATGGCAGCCCTGTCCTGCCCACC[A>G]AGCCAGCAGGGCAGCCACCCATTGCTGACAGCAGGGCCACAACCCTGCCCCCAGCCACCC-3'

ClinVar aggregate classification (germline): Benign (1 of 4 stars; one submission).

Allele frequency attached by ClinVar (database versions not stated): gnomAD 0.02471 and 0.02633; TOPMed 0.02771; 1000 Genomes Project 0.02895; 1000 Genomes Project 30x 0.03154.
gnomAD v4.1: 3,718 of 152,180 alleles (2.4%); highest among the groups gnomAD compares: African/African-American, 8.4%; 192 homozygotes.

Submission:

GeneDx
Classification: Benign. Last evaluated: 2018-06-14. Review status: criteria provided, single submitter. Criteria: GeneDx Variant Classification (06012015). Collection method: clinical testing. Allele origin: germline. Affected: yes.
Comment: This variant is considered likely benign or benign based on one or more of the following criteria: it is a conservative change, it occurs at a poorly conserved position in the protein, it is predicted to be benign by multiple in silico algorithms, and/or has population frequency not consistent with disease.